The following is an entry in ClinVar:

NM_001165963.4(SCN1A):c.4852+3A>T

Genes: SCN1A (sodium voltage-gated channel alpha subunit 1; minus strand), LOC102724058 (uncharacterized LOC102724058; plus strand). Cytogenetic location: 2q24.3.
Variant type: single nucleotide variant.
Coding change: c.4852+3A>T on transcript NM_001165963.4 (MANE Select); 3 bases into the intron after coding-DNA position 4852, A replaced by T.
Molecular consequence: intron variant.
Genome position (GRCh38, 1-based): chr2:165,994,143, T>A on the plus strand (A>T on the coding strand, the complement: SCN1A is on the minus strand). VCF-style: chr2-165994143-T-A. GRCh37 (hg19) VCF-style: chr2-166850653-T-A.
Other names: c.4819+3A>T (NM_001353949.2, NM_001353950.2, NM_001353951.2 and 2 more transcripts); c.4768+3A>T (NM_001353958.2, NM_001353957.2, NM_001165964.3); c.4852+3A>T (NM_001202435.3, NM_001353948.2); c.4816+3A>T (NM_001353955.2, NM_001353954.2); c.4765+3A>T (NM_001353960.2); c.2410+3A>T (NM_001353961.2).
Identifiers: ClinVar variation 4880278 (VCV004880278.1).

ClinVar aggregate classification (germline): Uncertain significance (1 of 4 stars; one submission).

Conditions:
Generalized epilepsy with febrile seizures plus, type 2 (GEFSP2). Also called: GEFS+, TYPE 2. Identifiers: Orphanet 36387, MedGen C1858673, MONDO:0011461, OMIM 604403.

Submission:

Pele Pequeno Principe Research Institute, Faculdades Pequeno Principe
Classification: Uncertain significance for Generalized epilepsy with febrile seizures plus, type 2. Last evaluated: 2026-07-25. Review status: criteria provided, single submitter. Criteria: ACMG Guidelines, 2015. Collection method: research. Allele origin: de novo. Inheritance: Sporadic. Affected: yes. Observed: 1 variant allele.
Comment: This sequence change affects the donor splice site of intron 25 in the SCN1A gene. Although this variant is not predicted to result in nonsense-mediated decay because it affects the last intron, it is predicted to disrupt normal RNA splicing and produce an altered protein product. Variants disrupting the same donor splice site (c.4852+1G>A, c.4852+1G>T, and c.4852+2T>C) have been reported in individuals with Dravet syndrome and generalized epilepsy with febrile seizures plus (GEFS+) and are classified as pathogenic, supporting disruption of this splice donor as an established disease mechanism (PMID: 21248271, 28202706). Variants affecting the consensus splice donor sequence are a well-recognized cause of aberrant RNA splicing (PMID: 17576681, 9536098). Splice prediction algorithms indicate that the c.4852+3A>T variant is likely to impair the native donor splice site. This variant is absent from population databases (gnomAD).

Literature cited by the submitters: PubMed 21248271; PubMed 28202706; PubMed 17576681; PubMed 9536098.